The following is an entry in ClinVar:

ClinVar aggregate classification (germline): Uncertain significance (1 of 4 stars; one submission).

Conditions:
Hypertrophic cardiomyopathy 14. Identifiers: MedGen C2750467, MONDO:0013197, OMIM 613251.

gnomAD v4.1: 6 of 1,614,220 alleles (0.00037%); highest among the groups gnomAD compares: Non-Finnish European, 0.00051%; no homozygotes.

Submission:

Labcorp Genetics (formerly Invitae), Labcorp
Classification: Uncertain significance for Hypertrophic cardiomyopathy 14. Last evaluated: 2025-06-12. Review status: criteria provided, single submitter. Criteria: Invitae Variant Classification Sherloc (09022015). Collection method: clinical testing. Allele origin: germline.
Comment: This sequence change replaces phenylalanine, which is neutral and non-polar, with leucine, which is neutral and non-polar, at codon 231 of the MYH6 protein (p.Phe231Leu). This variant is not present in population databases (gnomAD no frequency). This variant has not been reported in the literature in individuals affected with MYH6-related conditions. Invitae Evidence Modeling of protein sequence and biophysical properties (such as structural, functional, and spatial information, amino acid conservation, physicochemical variation, residue mobility, and thermodynamic stability) indicates that this missense variant is expected to disrupt MYH6 protein function with a positive predictive value of 80%. In summary, the available evidence is currently insufficient to determine the role of this variant in disease. Therefore, it has been classified as a Variant of Uncertain Significance.

NM_002471.4(MYH6):c.693C>A (p.Phe231Leu)

Gene: MYH6 (myosin heavy chain 6; minus strand). Cytogenetic location: 14q11.2.
Variant type: single nucleotide variant.
Coding change: c.693C>A on transcript NM_002471.4 (MANE Select); coding-DNA position 693, C replaced by A.
Protein change: p.Phe231Leu; replaces phenylalanine 231 with leucine.
Molecular consequence: missense variant.
Genome position (GRCh38, 1-based): chr14:23,404,338, G>T on the plus strand (C>A on the coding strand, the complement: MYH6 is on the minus strand). VCF-style: chr14-23404338-G-T. GRCh37 (hg19) VCF-style: chr14-23873547-G-T.
Other names: short protein forms F231L.
Identifiers: ClinVar variation 4708603 (VCV004708603.1).